The following is an entry in ClinVar:

NM_002528.7(NTHL1):c.439C>T (p.Arg147Trp)

Gene: NTHL1 (nth like DNA glycosylase 1; minus strand). Cytogenetic location: 16p13.3.
Variant type: single nucleotide variant.
Coding change: c.439C>T on transcript NM_002528.7 (MANE Select); coding-DNA position 439, C replaced by T.
Protein change: p.Arg147Trp; replaces arginine 147 with tryptophan.
Molecular consequence: missense variant. On other transcripts: intron variant (1).
Genome position (GRCh38, 1-based): chr16:2,044,716, G>A on the plus strand (C>T on the coding strand, the complement: NTHL1 is on the minus strand). VCF-style: chr16-2044716-G-A. GRCh37 (hg19) VCF-style: chr16-2094717-G-A.
Other names: c.109C>T, p.Arg37Trp (NM_001318194.2); c.355-990C>T (NM_001318193.2); c.439C>T, p.Arg147Trp (LRG_1366t1); short protein forms R147W, R37W.
Identifiers: ClinVar variation 642918 (VCV000642918.16), dbSNP rs1200691336, ClinGen allele CA394294329.
Genomic context (GRCh38, chr16:2,044,716, plus strand): 5'-GCTTGCCCAGCGTGGCATCATCTGTCTGCAGGATGCTGTCCACCGTCAGGCCCCGCGCCC[G>A]CAGTCGCTGCATGGCGCCCGCCGTCACCTGGTCTTTGGTTTGGCTGGAGAGCATCAGTGA-3'
Protein context (NP_002519.2, residues 137-157): QVTAGAMQRL[Arg147Trp]ARGLTVDSIL

ClinVar aggregate classification (germline): Uncertain significance. Review status: criteria provided, multiple submitters, no conflicts (2 of 4 stars). 5 submissions from 5 submitters: Uncertain significance (5). Last evaluated 2026-01-13.

Conditions:
Familial adenomatous polyposis 3. Also called: NTHL1-associated polyposis; NTHL1-related attenuated familial adenomatous polyposis; NTHL1-Related Adenomatous Polyposis and Colorectal Cancer; NTHL1 Tumor Syndrome. Identifiers: Orphanet 220460, Orphanet 454840, MedGen C4225157, MONDO:0014630, OMIM 616415.
Hereditary cancer-predisposing syndrome. Also called: Neoplastic Syndromes, Hereditary; Hereditary Cancer Syndrome; Tumor predisposition; Hereditary neoplastic syndrome. Identifiers: Orphanet 140162, MedGen C0027672, MeSH D009386, MONDO:0015356.

Allele frequency attached by ClinVar (database versions not stated): gnomAD 0.00001; TOPMed 0.00001.
gnomAD v4.1: 15 of 1,611,998 alleles (0.00093%); highest among the groups gnomAD compares: African/African-American, 0.0013%; no homozygotes.

Submissions (5):

Labcorp Genetics (formerly Invitae), Labcorp
Classification: Uncertain significance. Last evaluated: 2026-01-13. Review status: criteria provided, single submitter. Criteria: Invitae Variant Classification Sherloc (09022015). Collection method: clinical testing. Allele origin: germline.
Comment: This sequence change replaces arginine, which is basic and polar, with tryptophan, which is neutral and slightly polar, at codon 155 of the NTHL1 protein (p.Arg155Trp). This variant is present in population databases (no rsID available, gnomAD 0.007%). This variant has not been reported in the literature in individuals affected with NTHL1-related conditions. ClinVar contains an entry for this variant (Variation ID: 642918). An algorithm developed to predict the effect of missense changes on protein structure and function (PolyPhen-2) suggests that this variant is likely to be disruptive. In summary, the available evidence is currently insufficient to determine the role of this variant in disease. Therefore, it has been classified as a Variant of Uncertain Significance.

GeneDx
Classification: Uncertain significance. Last evaluated: 2025-05-15. Review status: criteria provided, single submitter. Criteria: GeneDx Variant Classification Process June 2021. Collection method: clinical testing. Allele origin: germline. Affected: yes.
Comment: Has not been previously published as pathogenic or benign to our knowledge; Not observed at significant frequency in large population cohorts (gnomAD); In silico analysis supports that this missense variant has a deleterious effect on protein structure/function

Ambry Genetics
Classification: Uncertain significance for Hereditary cancer-predisposing syndrome. Last evaluated: 2025-04-30. Review status: criteria provided, single submitter. Criteria: Ambry Variant Classification Scheme 2023. Collection method: clinical testing. Allele origin: germline.
Comment: The p.R155W variant (also known as c.463C>T), located in coding exon 3 of the NTHL1 gene, results from a C to T substitution at nucleotide position 463. The arginine at codon 155 is replaced by tryptophan, an amino acid with dissimilar properties. This amino acid position is well conserved in available vertebrate species. In addition, the in silico prediction for this alteration is inconclusive. Based on the available evidence, the clinical significance of this variant remains unclear.

Baylor Genetics
Classification: Uncertain significance for Familial adenomatous polyposis 3. Last evaluated: 2024-02-13. Review status: criteria provided, single submitter. Criteria: ACMG Guidelines, 2015. Collection method: clinical testing. Allele origin: unknown.

Sema4
Classification: Uncertain significance for Hereditary cancer-predisposing syndrome. Last evaluated: 2022-01-12. Review status: criteria provided, single submitter. Criteria: Sema4 Curation Guidelines. Collection method: curation. Allele origin: germline.
Comment: The NTHL1 c.463C>T (p.R155W) variant has not been reported in the literature to our knowledge. It was observed in 1/31382 chromosomes across all populations, in the large and broad cohorts of the Genome Aggregation Database (PMID: 32461654). This variant has been reported in ClinVar (Variation ID: 642918). Functional studies have not been performed, and in silico predictions of the variant's effect on protein function are inconclusive. The evidence is insufficient to meet ACMG/AMP criteria for classifying the variant as benign or pathogenic. Thus, the clinical significance of this variant is currently uncertain.